The following is an entry in ClinVar:

ClinVar aggregate classification (germline): Uncertain significance. Review status: criteria provided, multiple submitters, no conflicts (2 of 4 stars). 2 submissions from 2 submitters: Uncertain significance (2). Last evaluated 2021-11-13.

Conditions:
Pitt-Hopkins-like syndrome 2 (PTHSL2). Identifiers: Orphanet 221150, Orphanet 600663, MedGen C3280479, MONDO:0013690, OMIM 614325.

Allele frequency attached by ClinVar (database versions not stated): gnomAD exomes below 0.00001.
gnomAD v4.1: 3 of 1,614,080 alleles (0.00019%); highest among the groups gnomAD compares: Non-Finnish European, 0.00017%; no homozygotes.

Submissions (2):

Labcorp Genetics (formerly Invitae), Labcorp
Classification: Uncertain significance for Pitt-Hopkins-like syndrome 2. Last evaluated: 2021-11-13. Review status: criteria provided, single submitter. Criteria: Invitae Variant Classification Sherloc (09022015). Collection method: clinical testing. Allele origin: germline.
Comment: This variant is not present in population databases (gnomAD no frequency). This sequence change replaces glutamine, which is neutral and polar, with histidine, which is basic and polar, at codon 1224 of the NRXN1 protein (p.Gln1224His). This variant has not been reported in the literature in individuals affected with NRXN1-related conditions. In summary, the available evidence is currently insufficient to determine the role of this variant in disease. Therefore, it has been classified as a Variant of Uncertain Significance. Algorithms developed to predict the effect of missense changes on protein structure and function are either unavailable or do not agree on the potential impact of this missense change (SIFT: "Deleterious"; PolyPhen-2: "Benign"; Align-GVGD: "Class C0"). ClinVar contains an entry for this variant (Variation ID: 336543).

Illumina Laboratory Services, Illumina
Classification: Uncertain significance for Pitt-Hopkins-like syndrome 2. Last evaluated: 2018-01-13. Review status: criteria provided, single submitter. Criteria: ICSL Variant Classification Criteria 13 December 2019. Collection method: clinical testing. Allele origin: germline.

NM_001330078.2(NRXN1):c.3552G>C (p.Gln1184His)

Gene: NRXN1 (neurexin 1; minus strand). Cytogenetic location: 2p16.3.
Variant type: single nucleotide variant.
Coding change: c.3552G>C on transcript NM_001330078.2 (MANE Select); coding-DNA position 3552, G replaced by C.
Protein change: p.Gln1184His; replaces glutamine 1184 with histidine.
Molecular consequence: missense variant.
Genome position (GRCh38, 1-based): chr2:50,091,489, C>G on the plus strand (G>C on the coding strand, the complement: NRXN1 is on the minus strand). VCF-style: chr2-50091489-C-G. GRCh37 (hg19) VCF-style: chr2-50318627-C-G.
Other names: c.3672G>C, p.Gln1224His (NM_001135659.3); c.3528G>C, p.Gln1176His (NM_001330077.2, NM_001330082.2); c.3486G>C, p.Gln1162His (NM_001330083.2, NM_001330084.2); c.3525G>C, p.Gln1175His (NM_001330085.2); c.3552G>C, p.Gln1184His (NM_001330086.2, NM_004801.6); c.3441G>C, p.Gln1147His (NM_001330087.2, NM_001330096.2); c.3471G>C, p.Gln1157His (NM_001330088.2); c.447G>C, p.Gln149His (NM_001330091.2, NM_001330092.2, NM_001330097.2 and 1 more transcripts); and 3 more; short protein forms Q1224H, Q1147H, Q1167H, Q1184H, Q1180H, Q1162H, Q1176H, Q1183H.
Identifiers: ClinVar variation 336543 (VCV000336543.10), dbSNP rs886056169, ClinGen allele CA10614137.